The following continues an entry in ClinVar:

NM_000488.4(SERPINC1):c.391C>T (p.Leu131Phe)

Gene: SERPINC1. ClinVar aggregate classification (germline): Pathogenic. Pathogenic (1).

Submissions 11 to 17 of 17:

Fulgent Genetics
Classification: Pathogenic for Hereditary antithrombin deficiency. Last evaluated: 2021-10-22. Review status: criteria provided, single submitter. Criteria: ACMG Guidelines, 2015. Collection method: clinical testing. Allele origin: unknown. Not counted in ClinVar's aggregate classification.

Institute of Medical Genetics and Applied Genomics, University Hospital Tübingen
Classification: Pathogenic. Last evaluated: 2021-06-17. Review status: criteria provided, single submitter. Criteria: ACMG Guidelines, 2015. Collection method: clinical testing. Allele origin: germline. Inheritance: Autosomal recessive inheritance. Affected: yes. Not counted in ClinVar's aggregate classification.

NIHR Bioresource Rare Diseases, University of Cambridge
Classification: Likely pathogenic for Hereditary antithrombin deficiency. Last evaluated: 2019-02-01. Review status: criteria provided, single submitter. Criteria: ACMG Guidelines, 2015. Collection method: research. Allele origin: unknown. Affected: yes. Observed: 2 heterozygotes, 3 homozygotes. Study: ThromboGenomics. Not counted in ClinVar's aggregate classification.

NIHR Bioresource Rare Diseases, University of Cambridge
Classification: Pathogenic for Deep venous thrombosis. Last evaluated: 2019-02-01. Review status: criteria provided, single submitter. Criteria: ACMG Guidelines, 2015. Collection method: research. Allele origin: unknown. Affected: yes. Observed: 1 heterozygote. Study: ThromboGenomics. Not counted in ClinVar's aggregate classification.

ISTH-SSC Genomics in Thrombosis and Hemostasis, KU Leuven, Center for Molecular and Vascular Biology
Classification: Pathogenic for Hereditary antithrombin deficiency. Review status: criteria provided, single submitter. Criteria: ACMG Guidelines, 2015. Collection method: clinical testing. Allele origin: germline. Affected: yes. Observed: 2 heterozygotes. Clinical features observed: Thrombosis, vena cava superior syndrome, Deep vein thrombosis. Not counted in ClinVar's aggregate classification.
Comment: Submitted to GoldVariant by Kathleen Freson, Center for Molecular and Vascular Biology, Leuven, Belgium

Zotz-Klimas Genetics Lab, MVZ Zotz Klimas
Classification: Pathogenic for Hereditary antithrombin deficiency. Last evaluated: 2023-10-09. Review status: no assertion criteria provided. Collection method: clinical testing. Allele origin: germline. Affected: yes. Not counted in ClinVar's aggregate classification.

OMIM
Classification: Pathogenic for THROMBOPHILIA DUE TO ANTITHROMBIN III DEFICIENCY. Last evaluated: 1990-04-11. Review status: no assertion criteria provided. Collection method: literature only. Allele origin: germline. Not counted in ClinVar's aggregate classification.

Literature cited by the submitters: PubMed 22498748 (cited by Labcorp Genetics (formerly Invitae), Labcorp and Women's Health and Genetics/Laboratory Corporation of America, LabCorp); PubMed 24072242 (cited by 3 submitters); PubMed 24158114 (cited by Labcorp Genetics (formerly Invitae), Labcorp); PubMed 26748602 (cited by Labcorp Genetics (formerly Invitae), Labcorp and Mayo Clinic Laboratories, Mayo Clinic); PubMed 1555650 (cited by 3 submitters); PubMed 29215785 (cited by Labcorp Genetics (formerly Invitae), Labcorp and Women's Health and Genetics/Laboratory Corporation of America, LabCorp); PubMed 30458337 (cited by Women's Health and Genetics/Laboratory Corporation of America, LabCorp); PubMed 33614741 (cited by Variantyx, Inc. and Mayo Clinic Laboratories, Mayo Clinic); PubMed 32686144 (cited by Mayo Clinic Laboratories, Mayo Clinic); PubMed 34324211 (cited by Mayo Clinic Laboratories, Mayo Clinic); PubMed 39129027 (cited by Mayo Clinic Laboratories, Mayo Clinic); PubMed 31064749 (cited by NIHR Bioresource Rare Diseases, University of Cambridge); PubMed 2336381 (cited by OMIM).